The following is an entry in ClinVar:

NM_000046.5(ARSB):c.244C>G (p.Leu82Val)

Genes: ARSB (arylsulfatase B; minus strand), LOC129994126 (ATAC-STARR-seq lymphoblastoid silent region 16127; plus strand). Cytogenetic location: 5q14.1.
Variant type: single nucleotide variant.
Coding change: c.244C>G on transcript NM_000046.5 (MANE Select); coding-DNA position 244, C replaced by G.
Protein change: p.Leu82Val; replaces leucine 82 with valine.
Molecular consequence: missense variant.
Genome position (GRCh38, 1-based): chr5:78,985,005, G>C on the plus strand (C>G on the coding strand, the complement: ARSB is on the minus strand). VCF-style: chr5-78985005-G-C. GRCh37 (hg19) VCF-style: chr5-78280828-G-C.
Other names: c.244C>G, p.Leu82Val (NM_198709.3); short protein forms L82V.
Identifiers: ClinVar variation 2093514 (VCV002093514.4), dbSNP rs1753105092, ClinGen allele CA360196600.

ClinVar aggregate classification (germline): Likely pathogenic (1 of 4 stars; one submission).

Conditions:
Mucopolysaccharidosis type 6 (MPS6). Also called: ARSB DEFICIENCY; ARYLSULFATASE B DEFICIENCY; MPS 6; Maroteaux Lamy syndrome; MPS VI; N-ACETYLGALACTOSAMINE-4-SULFATASE DEFICIENCY. Identifiers: Orphanet 583, MedGen C0026709, MONDO:0009661, OMIM 253200.

Allele frequency attached by ClinVar (database versions not stated): TOPMed below 0.00001.

Submission:

Labcorp Genetics (formerly Invitae), Labcorp
Classification: Likely pathogenic for Mucopolysaccharidosis type 6. Last evaluated: 2022-02-05. Review status: criteria provided, single submitter. Criteria: Invitae Variant Classification Sherloc (09022015). Collection method: clinical testing. Allele origin: germline.
Comment: Advanced modeling of protein sequence and biophysical properties (such as structural, functional, and spatial information, amino acid conservation, physicochemical variation, residue mobility, and thermodynamic stability) performed at Invitae indicates that this missense variant is expected to disrupt ARSB protein function. In summary, the currently available evidence indicates that the variant is pathogenic, but additional data are needed to prove that conclusively. Therefore, this variant has been classified as Likely Pathogenic. This variant disrupts the p.Leu82 amino acid residue in ARSB. Other variant(s) that disrupt this residue have been determined to be pathogenic (PMID: 17643332, 18406185, 19259130). This suggests that this residue is clinically significant, and that variants that disrupt this residue are likely to be disease-causing. This variant has not been reported in the literature in individuals affected with ARSB-related conditions. This variant is not present in population databases (gnomAD no frequency). This sequence change replaces leucine, which is neutral and non-polar, with valine, which is neutral and non-polar, at codon 82 of the ARSB protein (p.Leu82Val).

Literature cited by the submitters: PubMed 17643332; PubMed 18406185; PubMed 19259130.